The following is an entry in ClinVar:

ClinVar aggregate classification (germline): Likely benign. Review status: criteria provided, multiple submitters, no conflicts (2 of 4 stars). 2 submissions from 2 submitters: Likely benign (2). Last evaluated 2025-10-01.

Conditions:
Emery-Dreifuss muscular dystrophy 4, autosomal dominant (EDMD4). Also called: EMERY-DREIFUSS MUSCULAR DYSTROPHY 4 WITH VARIABLE FEATURES. Identifiers: Orphanet 261, MedGen C2751807, MONDO:0013071, OMIM 612998.
Autosomal recessive ataxia, Beauce type. Also called: SYNE1 Deficiency; Spinocerebellar ataxia, autosomal recessive 8; ATAXIA, RECESSIVE, OF BEAUCE; SYNE1-Related Autosomal Recessive Cerebellar Ataxia. Identifiers: Orphanet 88644, MedGen C1853116, MONDO:0012549, OMIM 610743.

Allele frequency attached by ClinVar (database versions not stated): gnomAD exomes 0.00001.
gnomAD v4.1: 4 of 1,519,730 alleles (0.00026%); highest among the groups gnomAD compares: Admixed American, 0.0071%; no homozygotes.

Submissions (2):

Labcorp Genetics (formerly Invitae), Labcorp
Classification: Likely benign for Emery-Dreifuss muscular dystrophy 4, autosomal dominant; Autosomal recessive ataxia, Beauce type. Last evaluated: 2025-10-01. Review status: criteria provided, single submitter. Criteria: Invitae Variant Classification Sherloc (09022015). Collection method: clinical testing. Allele origin: germline.

GeneDx
Classification: Likely benign. Last evaluated: 2018-02-09. Review status: criteria provided, single submitter. Criteria: GeneDx Variant Classification (06012015). Collection method: clinical testing. Allele origin: germline. Affected: yes.
Comment: This variant is considered likely benign or benign based on one or more of the following criteria: it is a conservative change, it occurs at a poorly conserved position in the protein, it is predicted to be benign by multiple in silico algorithms, and/or has population frequency not consistent with disease.

NM_182961.4(SYNE1):c.7737G>A (p.Gln2579=)

Gene: SYNE1 (spectrin repeat containing nuclear envelope protein 1; minus strand). Cytogenetic location: 6q25.2.
Variant type: single nucleotide variant.
Coding change: c.7737G>A on transcript NM_182961.4 (MANE Select); coding-DNA position 7737, G replaced by A.
Protein change: p.Gln2579=; no amino-acid change (glutamine 2579 retained).
Molecular consequence: synonymous variant.
Genome position (GRCh38, 1-based): chr6:152,391,544, C>T on the plus strand (G>A on the coding strand, the complement: SYNE1 is on the minus strand). VCF-style: chr6-152391544-C-T. GRCh37 (hg19) VCF-style: chr6-152712679-C-T.
Other names: c.7758G>A, p.Gln2586= (NM_033071.5).
Identifiers: ClinVar variation 514914 (VCV000514914.11), dbSNP rs1275065218, ClinGen allele CA452972853.